The following is an entry in ClinVar:

ClinVar aggregate classification (germline): Conflicting classifications of pathogenicity. Review status: criteria provided, conflicting classifications (1 of 4 stars). 6 submissions from 6 submitters: Uncertain significance (2); Likely benign (4). Last evaluated 2025-02-20.

Conditions:
Familial cancer of breast. Also called: BREAST CANCER, FAMILIAL; Hereditary breast cancer; hereditary breast carcinoma. Identifiers: Orphanet 227535, MedGen C0346153, MONDO:0016419, OMIM 114480. Disease mechanism: loss of function.
Hereditary cancer-predisposing syndrome. Also called: Neoplastic Syndromes, Hereditary; Tumor predisposition; Hereditary Cancer Syndrome; Hereditary neoplastic syndrome. Identifiers: Orphanet 140162, MedGen C0027672, MeSH D009386, MONDO:0015356.

Allele frequency attached by ClinVar (database versions not stated): gnomAD exomes below 0.00001 and 0.00001; ExAC 0.00001.
gnomAD v4.1: 3 of 1,587,634 alleles (0.00019%); highest among the groups gnomAD compares: Admixed American, 0.005%; no homozygotes.

Submissions (6):

Labcorp Genetics (formerly Invitae), Labcorp
Classification: Likely benign for Familial cancer of breast. Last evaluated: 2025-02-20. Review status: criteria provided, single submitter. Criteria: Invitae Variant Classification Sherloc (09022015). Collection method: clinical testing. Allele origin: germline.

Myriad Genetics, Inc.
Classification: Likely benign for Familial cancer of breast. Last evaluated: 2025-01-21. Review status: criteria provided, single submitter. Criteria: Myriad Autosomal Dominant, Autosomal Recessive and X-Linked Classification Criteria (2023). Collection method: clinical testing. Allele origin: unknown.
Comment: This variant is considered likely benign. This variant is intronic and is not expected to impact mRNA splicing.

Ambry Genetics
Classification: Uncertain significance for Hereditary cancer-predisposing syndrome. Last evaluated: 2023-09-21. Review status: criteria provided, single submitter. Criteria: Ambry Variant Classification Scheme 2023. Collection method: clinical testing. Allele origin: germline.
Comment: The c.3114-5C>T intronic variant results from a C to T substitution 5 nucleotides upstream from coding exon 11 in the PALB2 gene. This nucleotide position is not well conserved in available vertebrate species. In silico splice site analysis predicts that this alteration will not have any significant effect on splicing; however, direct evidence is insufficient at this time (Ambry internal data). Since supporting evidence is limited at this time, the clinical significance of this alteration remains unclear.

Quest Diagnostics Nichols Institute San Juan Capistrano
Classification: Uncertain significance. Last evaluated: 2023-08-18. Review status: criteria provided, single submitter. Criteria: Quest Diagnostics criteria. Collection method: clinical testing. Allele origin: unknown.
Comment: To the best of our knowledge, this variant has not been reported in the published literature. The frequency of this variant in the general population, 0.000087 (3/34288 chromosomes (Genome Aggregation Database)), is uninformative in the assessment of its pathogenicity. Analysis of this variant using software algorithms for the prediction of the effect of nucleotide changes on splicing yielded predictions that this variant does not affect PALB2 mRNA splicing . Based on the available information, we are unable to determine the clinical significance of this variant.

GeneDx
Classification: Likely benign. Last evaluated: 2021-04-05. Review status: criteria provided, single submitter. Criteria: GeneDx Variant Classification Process June 2021. Collection method: clinical testing. Allele origin: germline. Affected: yes.

Color Diagnostics, LLC DBA Color Health
Classification: Likely benign for Hereditary cancer-predisposing syndrome. Last evaluated: 2017-09-04. Review status: criteria provided, single submitter. Criteria: ACMG Guidelines, 2015. Collection method: clinical testing. Allele origin: germline.

NM_024675.4(PALB2):c.3114-5C>T

Gene: PALB2 (partner and localizer of BRCA2; minus strand). Cytogenetic location: 16p12.2.
Variant type: single nucleotide variant.
Coding change: c.3114-5C>T on transcript NM_024675.4 (MANE Select); 5 bases into the intron before coding-DNA position 3114, C replaced by T.
Molecular consequence: intron variant.
Genome position (GRCh38, 1-based): chr16:23,614,096, G>A on the plus strand (C>T on the coding strand, the complement: PALB2 is on the minus strand). VCF-style: chr16-23614096-G-A. GRCh37 (hg19) VCF-style: chr16-23625417-G-A.
Identifiers: ClinVar variation 187727 (VCV000187727.22), dbSNP rs753307725, ClinGen allele CA198420.